The following is an entry in ClinVar:

ClinVar aggregate classification (germline): Uncertain significance (1 of 4 stars; one submission).

Conditions:
Cowden syndrome 6 (CWS6). Identifiers: Orphanet 201, MedGen C3554519, MONDO:0014048, OMIM 615109.

Submission:

Labcorp Genetics (formerly Invitae), Labcorp
Classification: Uncertain significance for Cowden syndrome 6. Last evaluated: 2021-01-15. Review status: criteria provided, single submitter. Criteria: Invitae Variant Classification Sherloc (09022015). Collection method: clinical testing. Allele origin: germline.
Comment: This sequence change replaces arginine with tryptophan at codon 273 of the AKT1 protein (p.Arg273Trp). The arginine residue is highly conserved and there is a moderate physicochemical difference between arginine and tryptophan. This variant is not present in population databases (ExAC no frequency). This variant has not been reported in the literature in individuals with AKT1-related conditions. Algorithms developed to predict the effect of missense changes on protein structure and function (SIFT, PolyPhen-2, Align-GVGD) all suggest that this variant is likely to be disruptive, but these predictions have not been confirmed by published functional studies and their clinical significance is uncertain. In summary, the available evidence is currently insufficient to determine the role of this variant in disease. Therefore, it has been classified as a Variant of Uncertain Significance.

NM_001382430.1(AKT1):c.817C>T (p.Arg273Trp)

Gene: AKT1 (AKT serine/threonine kinase 1; minus strand). Cytogenetic location: 14q32.33.
Variant type: single nucleotide variant.
Coding change: c.817C>T on transcript NM_001382430.1 (MANE Select); coding-DNA position 817, C replaced by T.
Protein change: p.Arg273Trp; replaces arginine 273 with tryptophan.
Molecular consequence: missense variant.
Genome position (GRCh38, 1-based): chr14:104,773,466, G>A on the plus strand (C>T on the coding strand, the complement: AKT1 is on the minus strand). VCF-style: chr14-104773466-G-A. GRCh37 (hg19) VCF-style: chr14-105239803-G-A.
Other names: c.817C>T, p.Arg273Trp (NM_001382431.1, NM_001382432.1, NM_001382433.1 and 3 more transcripts); short protein forms R273W.
Identifiers: ClinVar variation 1466132 (VCV001466132.8), dbSNP rs2140906502, ClinGen allele CA391218196.